The following is an entry in ClinVar:

NM_001206927.2(DNAH8):c.976A>C (p.Thr326Pro)

Gene: DNAH8 (dynein axonemal heavy chain 8; plus strand). Cytogenetic location: 6p21.2.
Variant type: single nucleotide variant.
Coding change: c.976A>C on transcript NM_001206927.2 (MANE Select); coding-DNA position 976, A replaced by C.
Protein change: p.Thr326Pro; replaces threonine 326 with proline.
Molecular consequence: missense variant.
Genome position (GRCh38, 1-based): chr6:38,737,832, A>C. VCF-style: chr6-38737832-A-C. GRCh37 (hg19) VCF-style: chr6-38705608-A-C.
Other names: c.325A>C, p.Thr109Pro (NM_001371.4); short protein forms T109P, T326P.
Identifiers: ClinVar variation 3730358 (VCV003730358.2).
Genomic context (GRCh38, chr6:38,737,832, plus strand): 5'-ATAAATTAGTATTAAATGTCTTTTTTTTCCTTTTTAGGTGCTAGAATAAGTATTGAGGGA[A>C]CAGTGAAGTTAAAGACAATAGACAATGTTAATTTTTCCAAACTGCACACCTTTGAAGAAG-3'
Protein context (NP_001193856.1, residues 316-336): LDGARISIEG[Thr326Pro]VKLKTIDNVN

ClinVar aggregate classification (germline): Uncertain significance (1 of 4 stars; one submission).

Conditions:
Primary ciliary dyskinesia. Also called: Ciliary dyskinesia. Identifiers: Orphanet 244, MedGen C0008780, MONDO:0016575, HP:0012265.

gnomAD v4.1: 1 of 1,557,516 alleles (0.000064%); highest among the groups gnomAD compares: Non-Finnish European, 0.000087%; no homozygotes.

Submission:

Labcorp Genetics (formerly Invitae), Labcorp
Classification: Uncertain significance for Primary ciliary dyskinesia. Last evaluated: 2024-08-02. Review status: criteria provided, single submitter. Criteria: Invitae Variant Classification Sherloc (09022015). Collection method: clinical testing. Allele origin: germline.
Comment: This sequence change replaces threonine, which is neutral and polar, with proline, which is neutral and non-polar, at codon 326 of the DNAH8 protein (p.Thr326Pro). This variant is not present in population databases (gnomAD no frequency). This variant has not been reported in the literature in individuals affected with DNAH8-related conditions. Experimental studies and prediction algorithms are not available or were not evaluated, and the functional significance of this variant is currently unknown. In summary, the available evidence is currently insufficient to determine the role of this variant in disease. Therefore, it has been classified as a Variant of Uncertain Significance.